The following is an entry in ClinVar:

NM_000179.3(MSH6):c.2812G>T (p.Asp938Tyr)

Gene: MSH6 (mutS homolog 6; plus strand). Cytogenetic location: 2p16.3.
Variant type: single nucleotide variant.
Coding change: c.2812G>T on transcript NM_000179.3 (MANE Select); coding-DNA position 2812, G replaced by T.
Protein change: p.Asp938Tyr; replaces aspartic acid 938 with tyrosine.
Molecular consequence: missense variant. On other transcripts: non-coding transcript variant (5), intron variant (2).
Genome position (GRCh38, 1-based): chr2:47,800,795, G>T. VCF-style: chr2-47800795-G-T. GRCh37 (hg19) VCF-style: chr2-48027934-G-T.
Other names: c.2422G>T, p.Asp808Tyr (NM_001281492.2); c.1906G>T, p.Asp636Tyr (NM_001281493.2, NM_001281494.2, NM_001406811.1 and 6 more transcripts); c.2908G>T, p.Asp970Tyr (NM_001406795.1, NM_001406802.1); c.2812G>T, p.Asp938Tyr (NM_001406796.1, NM_001406798.1, NM_001406800.1 and 2 more transcripts); c.2515G>T, p.Asp839Tyr (NM_001406797.1, NM_001406801.1, NM_001406805.1 and 10 more transcripts); c.2287G>T, p.Asp763Tyr (NM_001406799.1, NM_001406806.1, NM_001406807.1); c.2734G>T, p.Asp912Tyr (NM_001406804.1); c.2818G>T, p.Asp940Tyr (NM_001406813.1); and 4 more; short protein forms D253Y, D636Y, D763Y, D808Y, D839Y, D882Y, D912Y, D938Y.
Identifiers: ClinVar variation 4756857 (VCV004756857.1).

ClinVar aggregate classification (germline): Uncertain significance (1 of 4 stars; one submission).

Conditions:
Hereditary cancer-predisposing syndrome. Also called: Tumor predisposition; Hereditary Cancer Syndrome; Neoplastic Syndromes, Hereditary; Hereditary neoplastic syndrome. Identifiers: Orphanet 140162, MedGen C0027672, MeSH D009386, MONDO:0015356.

Submission:

Color Diagnostics, LLC DBA Color Health
Classification: Uncertain significance for Hereditary cancer-predisposing syndrome. Last evaluated: 2025-06-23. Review status: criteria provided, single submitter. Criteria: ACMG Guidelines, 2015. Collection method: clinical testing. Allele origin: germline.
Comment: This missense variant replaces aspartic acid with tyrosine at codon 938 of the MSH6 protein. Computational prediction suggests that this variant may have deleterious impact on protein structure and function. To our knowledge, functional studies have not been reported for this variant. This variant has not been reported in individuals affected with MSH6-related disorders in the literature. This variant has not been identified in the general population by the Genome Aggregation Database (gnomAD). The available evidence is insufficient to determine the role of this variant in disease conclusively. Therefore, this variant is classified as a Variant of Uncertain Significance.